The following is an entry in ClinVar:

NM_001134363.3(RBM20):c.1906C>A (p.Arg636Ser)

Gene: RBM20 (RNA binding motif protein 20; plus strand). Cytogenetic location: 10q25.2.
Variant type: single nucleotide variant.
Coding change: c.1906C>A on transcript NM_001134363.3 (MANE Select); coding-DNA position 1906, C replaced by A.
Protein change: p.Arg636Ser; replaces arginine 636 with serine.
Molecular consequence: missense variant.
Genome position (GRCh38, 1-based): chr10:110,812,303, C>A. VCF-style: chr10-110812303-C-A. GRCh37 (hg19) VCF-style: chr10-112572061-C-A.
Other names: p.R636S:CGT>AGT; short protein forms R636S.
Identifiers: ClinVar variation 270 (VCV000000270.23), dbSNP rs267607002, ClinGen allele CA251411.
Genomic context (GRCh38, chr10:110,812,303, plus strand): 5'-AAGATTCTAAATCCTGCTCCTTGGCTCCCTCACAGATATGGCCCAGAAAGGCCGCGGTCT[C>A]GTAGTCCGGTGAGCCGGTCACTCTCCCCGAGGTCCCACACTCCCAGCTTCACCTCCTGCA-3'
Protein context (NP_001127835.2, residues 626-646): DRYGPERPRS[Arg636Ser]SPVSRSLSPR

ClinVar aggregate classification (germline): Pathogenic/Likely pathogenic. Review status: criteria provided, multiple submitters, no conflicts (2 of 4 stars). 7 submissions from 7 submitters: Pathogenic (5); Likely pathogenic (1). 1 of the submissions does not count toward it. Last evaluated 2025-12-06.

Conditions:
RBM20-related disorder. Also called: RBM20-related condition.
Cardiovascular phenotype. Identifiers: MedGen CN230736.
Primary familial dilated cardiomyopathy (FDC). Also called: Hypokinetic dilated cardiomyopathy, familial; Familial dilated cardiomyopathy. Identifiers: Orphanet 217607, MedGen C0340427, MONDO:0016333.
Primary dilated cardiomyopathy (DCM). Also called: Dilated Cardiomyopathy. Identifiers: Orphanet 217604, MedGen C0007193, MeSH D002311, MONDO:0005021, HP:0001644. Inheritance: Various modes of inheritance.
Dilated cardiomyopathy 1DD (CMD1DD). Identifiers: Orphanet 154, MedGen C2750995, MONDO:0013168, OMIM 613172.

Submissions (7):

Labcorp Genetics (formerly Invitae), Labcorp
Classification: Pathogenic for Dilated cardiomyopathy 1DD. Last evaluated: 2025-12-06. Review status: criteria provided, single submitter. Criteria: Invitae Variant Classification Sherloc (09022015). Collection method: clinical testing. Allele origin: germline.
Comment: This sequence change replaces arginine, which is basic and polar, with serine, which is neutral and polar, at codon 636 of the RBM20 protein (p.Arg636Ser). This variant is not present in population databases (gnomAD no frequency). This missense change has been observed in individuals with dilated cardiomyopathy (PMID: 19712804, 26604136; internal data). It has also been observed to segregate with disease in related individuals. ClinVar contains an entry for this variant (Variation ID: 270). Invitae Evidence Modeling of protein sequence and biophysical properties (such as structural, functional, and spatial information, amino acid conservation, physicochemical variation, residue mobility, and thermodynamic stability) has been performed for this missense variant. However, the output from this modeling did not meet the statistical confidence thresholds required to predict the impact of this variant on RBM20 protein function. Experimental studies have shown that this missense change affects RBM20 function (PMID: 22466703). This variant disrupts the p.Arg636 amino acid residue in RBM20. Other variant(s) that disrupt this residue have been determined to be pathogenic (PMID: 19712804, 20590677, 21483645, 23861363, 24503780, 26084686). This suggests that this residue is clinically significant, and that variants that disrupt this residue are likely to be disease-causing. For these reasons, this variant has been classified as Pathogenic.

Women's Health and Genetics/Laboratory Corporation of America, LabCorp
Classification: Pathogenic for Primary familial dilated cardiomyopathy. Last evaluated: 2025-01-06. Review status: criteria provided, single submitter. Criteria: LabCorp Variant Classification Summary - May 2015. Collection method: clinical testing. Allele origin: germline.
Comment: Variant summary: RBM20 c.1906C>A (p.Arg636Ser) results in a non-conservative amino acid change in the encoded protein sequence. Five of five in-silico tools predict a damaging effect of the variant on protein function. The variant was absent in 153242 control chromosomes (gnomAD). c.1906C>A has been reported in the literature in multiple individuals affected with dilated cardiomyopathy where it has also been shown to segregate with the disease (example: Brauch_2009). These data indicate that the variant is very likely to be associated with disease. A different variant affecting the same codon has been classified as pathogenic by our lab (c.1907G>A, p.Arg636His), supporting the critical relevance of codon 636 to RBM20 protein function. The following publication has been ascertained in the context of this evaluation (PMID: 19712804). ClinVar contains an entry for this variant (Variation ID: 270). Based on the evidence outlined above, the variant was classified as pathogenic.

Ambry Genetics
Classification: Pathogenic for Cardiovascular phenotype. Last evaluated: 2023-08-01. Review status: criteria provided, single submitter. Criteria: Ambry Variant Classification Scheme 2023. Collection method: clinical testing. Allele origin: germline.
Comment: The p.R636S pathogenic mutation (also known as c.1906C>A), located in coding exon 9 of the RBM20 gene, results from a C to A substitution at nucleotide position 1906. The arginine at codon 636 is replaced by serine, an amino acid with dissimilar properties. This variant has been reported in multiple individuals with dilated cardiomyopathy (DCM) and has been shown to segregate with DCM across several families, some of which exhibited reduced penetrance (Brauch KM et al. J Am Coll Cardiol. 2009;54:930-41; Broendberg AK et al. Eur J Hum Genet. 2018 Mar;26(3):303-313; Hey TM et al. Circ Heart Fail. 2019 Mar;12(3):e005700; Stava TT et al. Eur J Prev Cardiol. 2022 Oct;29(13):1789-1799). Functional studies have indicated that this variant adversely impacts protein function (Guo W et al. Nat Med. 2012;18:766-73; Wyles SP et al. Hum Mol Genet. 2016;25:254-65). Other alterations at the same codon, p.R636C (c.1906C>T) and p.R636H (c.1907G>A), have also been reported in association with DCM (Li D et al. Clin Transl Sci. 2010;3:90-7). This variant is considered to be rare based on population cohorts in the Genome Aggregation Database (gnomAD). This amino acid position is highly conserved in available vertebrate species. In addition, this alteration is predicted to be deleterious by in silico analysis. Based on the supporting evidence, this alteration is interpreted as a disease-causing mutation.

GeneDx
Classification: Pathogenic. Last evaluated: 2022-01-06. Review status: criteria provided, single submitter. Criteria: GeneDx Variant Classification Process June 2021. Collection method: clinical testing. Allele origin: germline. Affected: yes.
Comment: Not observed at significant frequency in large population cohorts (gnomAD); Published functional studies showed that the hiPSC-CMs harboring the R636S variant were less capable of maintaining their sarcomeric structure, demonstrated defective Ca2+ handling, and were more susceptible to positive chronotropic (heart rate) stress (Wyles et al., 2016); In silico analysis supports that this missense variant has a deleterious effect on protein structure/function; Reported in ClinVar (ClinVar Variant ID# 270); This variant is associated with the following publications: (PMID: 27363581, 22466703, 19712804, 27496873, 30871348, 30871351, 29343803, 21483645, 33019804, 34732726, 33671899, 34575212, 33188278, 34333030, 26604136)

Blueprint Genetics
Classification: Pathogenic for RBM20-related disorders. Last evaluated: 2021-10-04. Review status: criteria provided, single submitter. Criteria: ACMG Guidelines, 2015. Collection method: clinical testing. Allele origin: germline. Affected: yes. Observed: 1 variant allele.

Laboratory for Molecular Medicine, Mass General Brigham Personalized Medicine
Classification: Likely pathogenic for Primary dilated cardiomyopathy. Last evaluated: 2016-10-31. Review status: criteria provided, single submitter. Criteria: LMM Criteria. Collection method: clinical testing. Allele origin: germline. Inheritance: Autosomal dominant inheritance. Observed: 5 variant alleles.
Comment: The p.Arg636Ser variant in RBM20 has been reported in 3 individuals with DCM, se gregated with disease in 6 affected relatives from 2 families, and was absent fr om 960 race-matched control chromosomes (Brauch 2009). In vitro functional studies provide some evidence that the p.Arg636S er variant may impact protein function (Guo 2012, Wyles 2016). However, these ty pes of assays may not accurately represent biological function. Computational pr ediction tools and conservation analysis suggest that this variant may impact th e protein, though this information is not predictive enough to determine pathoge nicity. In addition, this variant lies within exon 9, which encodes a conserved protein domain where other pathogenic variants have been reported (Brauch 2009, Li 2010). Lastly, a different disease-causing substitution has been reported at this position (p.Arg636His; Brauch 2009, Li 2010, Wells 2013, LMM data) suggesti ng that changes at this position may not be tolerated. In summary, although addi tional studies are required to fully establish its clinical significance, the p. Arg636Ser variant is likely pathogenic.

OMIM
Classification: Pathogenic for CARDIOMYOPATHY, DILATED, 1DD. Last evaluated: 2009-09-01. Review status: no assertion criteria provided. Collection method: literature only. Allele origin: germline. Not counted in ClinVar's aggregate classification.

Literature cited by the submitters: PubMed 19712804 (cited by 5 submitters); PubMed 26604136 (cited by 3 submitters); PubMed 22466703 (cited by 3 submitters); PubMed 20590677 (cited by Labcorp Genetics (formerly Invitae), Labcorp and Ambry Genetics); PubMed 21483645 (cited by Labcorp Genetics (formerly Invitae), Labcorp); PubMed 23861363 (cited by Labcorp Genetics (formerly Invitae), Labcorp); PubMed 24503780 (cited by Labcorp Genetics (formerly Invitae), Labcorp); PubMed 26084686 (cited by Labcorp Genetics (formerly Invitae), Labcorp); PubMed 27105042 (cited by Ambry Genetics); PubMed 29343803 (cited by Ambry Genetics); PubMed 30871348 (cited by Ambry Genetics); PubMed 35653365 (cited by Ambry Genetics); PubMed 22561820 (cited by Laboratory for Molecular Medicine, Mass General Brigham Personalized Medicine); PubMed 22004663 (cited by Laboratory for Molecular Medicine, Mass General Brigham Personalized Medicine).